The following is an entry in ClinVar:

ClinVar aggregate classification (germline): Uncertain significance (1 of 4 stars; one submission).

Submission:

Labcorp Genetics (formerly Invitae), Labcorp
Classification: Uncertain significance. Last evaluated: 2023-10-03. Review status: criteria provided, single submitter. Criteria: Invitae Variant Classification Sherloc (09022015). Collection method: clinical testing. Allele origin: germline.
Comment: This sequence change replaces aspartic acid, which is acidic and polar, with histidine, which is basic and polar, at codon 190 of the RIMS1 protein (p.Asp190His). This variant is not present in population databases (gnomAD no frequency). This variant has not been reported in the literature in individuals affected with RIMS1-related conditions. ClinVar contains an entry for this variant (Variation ID: 1366139). An algorithm developed to predict the effect of missense changes on protein structure and function (PolyPhen-2) suggests that this variant is likely to be disruptive. In summary, the available evidence is currently insufficient to determine the role of this variant in disease. Therefore, it has been classified as a Variant of Uncertain Significance.

NM_014989.7(RIMS1):c.568G>C (p.Asp190His)

Gene: RIMS1 (regulating synaptic membrane exocytosis 1; plus strand). Cytogenetic location: 6q13.
Variant type: single nucleotide variant.
Coding change: c.568G>C on transcript NM_014989.7 (MANE Select); coding-DNA position 568, G replaced by C.
Protein change: p.Asp190His; replaces aspartic acid 190 with histidine.
Molecular consequence: missense variant.
Genome position (GRCh38, 1-based): chr6:72,179,671, G>C. VCF-style: chr6-72179671-G-C. GRCh37 (hg19) VCF-style: chr6-72889374-G-C.
Other names: short protein forms D190H.
Identifiers: ClinVar variation 1366139 (VCV001366139.8), dbSNP rs2153967269, ClinGen allele CA364818435.
Genomic context (GRCh38, chr6:72,179,671, plus strand): 5'-GAAATCTTAACCAAATCTGGGGCATGGTTCTTTGGAAGTGGCCCTCAGCAGACAAGTCAG[G>C]ATGGAACCCTGAGTGATACAGCTACAGGTGCTGGCTCTGAGGTACCAAGAGAAAAGAAAG-3'
Protein context (NP_055804.2, residues 180-200): FGSGPQQTSQ[Asp190His]GTLSDTATGA